The following is an entry in ClinVar:

NM_000466.3(PEX1):c.1588-7A>G

Gene: PEX1 (peroxisomal biogenesis factor 1; minus strand). Cytogenetic location: 7q21.2.
Variant type: single nucleotide variant.
Coding change: c.1588-7A>G on transcript NM_000466.3 (MANE Select); 7 bases into the intron before coding-DNA position 1588, A replaced by G.
Molecular consequence: intron variant.
Genome position (GRCh38, 1-based): chr7:92,509,418, T>C on the plus strand (A>G on the coding strand, the complement: PEX1 is on the minus strand). VCF-style: chr7-92509418-T-C. GRCh37 (hg19) VCF-style: chr7-92138732-T-C.
Other names: c.1588-7A>G (NM_001282677.2); c.964-7A>G (NM_001282678.2).
Identifiers: ClinVar variation 1962995 (VCV001962995.2), dbSNP rs1433310327, ClinGen allele CA576306282.

ClinVar aggregate classification (germline): Uncertain significance (1 of 4 stars; one submission).

Conditions:
Zellweger spectrum disorders (ZS). Also called: Zellweger Spectrum Disorder (ZSD); Zellweger syndrome; Zellweger Spectrum Disorder; Zellweger Spectrum. Identifiers: Orphanet 912, MedGen C0043459, MONDO:0019609.

Allele frequency attached by ClinVar (database versions not stated): gnomAD exomes 0.00001.
gnomAD v4.1: 9 of 1,599,582 alleles (0.00056%); highest among the groups gnomAD compares: Non-Finnish European, 0.00077%; no homozygotes.

Submission:

Labcorp Genetics (formerly Invitae), Labcorp
Classification: Uncertain significance for Zellweger spectrum disorders. Last evaluated: 2022-08-05. Review status: criteria provided, single submitter. Criteria: Invitae Variant Classification Sherloc (09022015). Collection method: clinical testing. Allele origin: germline.
Comment: This sequence change falls in intron 8 of the PEX1 gene. It does not directly change the encoded amino acid sequence of the PEX1 protein. This variant is not present in population databases (gnomAD no frequency). This variant has not been reported in the literature in individuals affected with PEX1-related conditions. Algorithms developed to predict the effect of sequence changes on RNA splicing suggest that this variant may disrupt the consensus splice site. In summary, the available evidence is currently insufficient to determine the role of this variant in disease. Therefore, it has been classified as a Variant of Uncertain Significance.